The following is an entry in ClinVar:

ClinVar aggregate classification (germline): Uncertain significance (1 of 4 stars; one submission).

Conditions:
Hereditary cancer-predisposing syndrome. Also called: Neoplastic Syndromes, Hereditary; Tumor predisposition; Hereditary neoplastic syndrome; Hereditary Cancer Syndrome. Identifiers: Orphanet 140162, MedGen C0027672, MeSH D009386, MONDO:0015356.

Submission:

Ambry Genetics
Classification: Uncertain significance for Hereditary cancer-predisposing syndrome. Last evaluated: 2026-07-06. Review status: criteria provided, single submitter. Criteria: Ambry Variant Classification Scheme 2023. Collection method: clinical testing. Allele origin: germline.
Comment: The p.E763A variant (also known as c.2288A>C), located in coding exon 9 of the AXIN2 gene, results from an A to C substitution at nucleotide position 2288. The glutamic acid at codon 763 is replaced by alanine, an amino acid with dissimilar properties. This amino acid position is conserved. In addition, the in silico prediction for this alteration is inconclusive. Based on the available evidence, the clinical significance of this variant remains unclear.

NM_004655.4(AXIN2):c.2288A>C (p.Glu763Ala)

Gene: AXIN2 (axin 2; minus strand). Cytogenetic location: 17q24.1.
Variant type: single nucleotide variant.
Coding change: c.2288A>C on transcript NM_004655.4 (MANE Select); coding-DNA position 2288, A replaced by C.
Protein change: p.Glu763Ala; replaces glutamic acid 763 with alanine.
Molecular consequence: missense variant.
Genome position (GRCh38, 1-based): chr17:65,534,029, T>G on the plus strand (A>C on the coding strand, the complement: AXIN2 is on the minus strand). VCF-style: chr17-65534029-T-G. GRCh37 (hg19) VCF-style: chr17-63530147-T-G.
Other names: c.2093A>C, p.Glu698Ala (NM_001363813.1); short protein forms E698A, E763A.
Identifiers: ClinVar variation 5032556 (VCV005032556.1).